The following is an entry in ClinVar:

NM_000321.3(RB1):c.-16G>C

Gene: RB1 (RB transcriptional corepressor 1; plus strand). Cytogenetic location: 13q14.2.
Variant type: single nucleotide variant.
Coding change: c.-16G>C on transcript NM_000321.3 (MANE Select); 16 bases upstream of the start codon, G replaced by C.
Molecular consequence: 5 prime UTR variant.
Genome position (GRCh38, 1-based): chr13:48,303,897, G>C. VCF-style: chr13-48303897-G-C. GRCh37 (hg19) VCF-style: chr13-48878033-G-C.
Other names: c.-16G>C (NM_001407165.1, NM_001407166.1, NM_001407167.1).
Identifiers: ClinVar variation 3673246 (VCV003673246.2).

ClinVar aggregate classification (germline): Uncertain significance (1 of 4 stars; one submission).

Conditions:
Retinoblastoma (RB1). Also called: RETINOBLASTOMA, SOMATIC. Identifiers: Orphanet 790, MedGen C0035335, MeSH D012175, MONDO:0008380, OMIM 180200, HP:0009919. Disease mechanism: loss of function. Inheritance: Both sporadic and heritable forms are tested..

gnomAD v4.1: 3 of 1,514,380 alleles (0.0002%); highest among the groups gnomAD compares: Non-Finnish European, 0.00026%; no homozygotes.

Submission:

Labcorp Genetics (formerly Invitae), Labcorp
Classification: Uncertain significance for Retinoblastoma. Last evaluated: 2024-07-01. Review status: criteria provided, single submitter. Criteria: Invitae Variant Classification Sherloc (09022015). Collection method: clinical testing. Allele origin: germline.
Comment: This variant occurs in a non-coding region of the RB1 gene. It does not change the encoded amino acid sequence of the RB1 protein. This variant is not present in population databases (gnomAD no frequency). This variant has not been reported in the literature in individuals affected with RB1-related conditions. In summary, the available evidence is currently insufficient to determine the role of this variant in disease. Therefore, it has been classified as a Variant of Uncertain Significance.